The following is an entry in ClinVar:

NM_024675.4(PALB2):c.413_414dup (p.Gln139fs)

Gene: PALB2 (partner and localizer of BRCA2; minus strand). Cytogenetic location: 16p12.2.
Variant type: Duplication.
Coding change: c.413_414dup on transcript NM_024675.4 (MANE Select); coding-DNA positions 413 to 414, 2 bases duplicated (AG; older notation c.413_414dupAG).
Protein change: p.Gln139fs; shifts the reading frame from glutamine 139.
Molecular consequence: frameshift variant. On other transcripts: 5 prime UTR variant (8), intron variant (3).
Genome position (GRCh38, 1-based): chr16:23,636,132-23,636,133, CT duplicated on the plus strand (AG on the coding strand, the reverse complement: PALB2 is on the minus strand); duplicating any 2 consecutive bases within chr16:23,636,132-23,636,134 gives the same sequence; the c. name uses the placement nearest the transcript's 3' end. VCF-style (leftmost placement, unchanged base first): chr16-23636131-G-GCT. GRCh37 (hg19) VCF-style: chr16-23647452-G-GCT.
Other names: c.353_354dup, p.Gln119fs (NM_001407296.1); c.413_414dup, p.Gln139fs (NM_001407297.1, NM_001407298.1, NM_001407299.1 and 3 more transcripts); c.-473_-472dup (NM_001407304.1, NM_001407305.1, NM_001407306.1 and 5 more transcripts); c.48+4977_48+4978dup (NM_001407314.1); c.-105+4977_-105+4978dup (NM_001407313.1, NM_001407312.1); short protein forms Q119fs, Q139fs.
Identifiers: ClinVar variation 2573269 (VCV002573269.1), dbSNP rs2506513330, ClinGen allele CA2580612748.
Genomic context (GRCh38, chr16:23,636,131, plus strand): 5'-CCTGTGAAATAAATGTCCTCTTCTGCTGCTTCTTTCTTCTGCTTGGCAGCTTCTGCTTTT[G>GCT]CTCACCACTAGGGTCACTGACCCTGTGGGGAAAATGTTCTTGGGTGTCATCTGTTCTTTG-3'

ClinVar aggregate classification (germline): Pathogenic (1 of 4 stars; one submission).

Conditions:
Familial cancer of breast. Also called: hereditary breast carcinoma; Hereditary breast cancer; BREAST CANCER, FAMILIAL. Identifiers: Orphanet 227535, MedGen C0346153, MONDO:0016419, OMIM 114480. Disease mechanism: loss of function.

Submission:

Myriad Genetics, Inc.
Classification: Pathogenic for Familial cancer of breast. Last evaluated: 2023-04-12. Review status: criteria provided, single submitter. Criteria: Myriad Autosomal Dominant, Autosomal Recessive and X-Linked Classification Criteria (2023). Collection method: clinical testing. Allele origin: unknown.
Comment: This variant is considered pathogenic. This variant creates a frameshift predicted to result in premature protein truncation.